The following is an entry in ClinVar:

ClinVar aggregate classification (germline): Uncertain significance (1 of 4 stars; one submission).

Conditions:
Inborn genetic diseases. Identifiers: MedGen C0950123, MeSH D030342.

Submission:

Ambry Genetics
Classification: Uncertain significance for Inborn genetic diseases. Last evaluated: 2023-04-28. Review status: criteria provided, single submitter. Criteria: Ambry Variant Classification Scheme 2023. Collection method: clinical testing. Allele origin: germline.
Comment: The p.M1162I variant (also known as c.3486G>A), located in coding exon 18 of the ATR gene, results from a G to A substitution at nucleotide position 3486. The methionine at codon 1162 is replaced by isoleucine, an amino acid with highly similar properties. This amino acid position is conserved. In addition, the in silico prediction for this alteration is inconclusive. Since supporting evidence is limited at this time, the clinical significance of this alteration remains unclear.

NM_001184.4(ATR):c.3486G>A (p.Met1162Ile)

Gene: ATR (ATR checkpoint kinase; minus strand). Cytogenetic location: 3q23.
Variant type: single nucleotide variant.
Coding change: c.3486G>A on transcript NM_001184.4 (MANE Select); coding-DNA position 3486, G replaced by A.
Protein change: p.Met1162Ile; replaces methionine 1162 with isoleucine.
Molecular consequence: missense variant.
Genome position (GRCh38, 1-based): chr3:142,540,999, C>T on the plus strand (G>A on the coding strand, the complement: ATR is on the minus strand). VCF-style: chr3-142540999-C-T. GRCh37 (hg19) VCF-style: chr3-142259841-C-T.
Other names: c.3294G>A, p.Met1098Ile (NM_001354579.2); short protein forms M1098I, M1162I.
Identifiers: ClinVar variation 2567816 (VCV002567816.2), dbSNP rs1269676828, ClinGen allele CA354807900.